The following is an entry in ClinVar:

NC_000007.14:g.107660670A>T

Genes: SLC26A4 (solute carrier family 26 member 4; plus strand), SLC26A4-AS1 (SLC26A4 antisense RNA 1; minus strand). Cytogenetic location: 7q22.3.
Variant type: single nucleotide variant.
Genome position: GRCh38 VCF-style: chr7-107660670-A-T. GRCh37 (hg19) VCF-style: chr7-107301115-A-T.
Identifiers: ClinVar variation 43485 (VCV000043485.12), dbSNP rs111033440, ClinGen allele CA132648.
Genomic context (GRCh38, chr7:107,660,670, plus strand): 5'-CCCCTGCGTGGCAGCCAGTAAGAGTCTCAGCCTTCCCGGTTCGGGAAAGGGGAAGAATGC[A>T]GGAGGGGTAGGATTTCTTTCCTGATAGGATCGGTTGGGAAAGACCGCAGCCTGTGTGTGT-3'

ClinVar aggregate classification (germline): Uncertain significance. Review status: criteria provided, multiple submitters, no conflicts (2 of 4 stars). 5 submissions from 3 submitters: Uncertain significance (5). Last evaluated 2021-09-05.

Conditions:
Autosomal recessive nonsyndromic hearing loss 4 (DFNB4). Also called: Deafness, autosomal recessive 4; Enlarged vestibular aqueduct, digenic; FOXI1-Related Pendred Syndrome; KCNJ10-Related Pendred Syndrome; NEUROSENSORY NONSYNDROMIC RECESSIVE DEAFNESS 4; DEAFNESS, AUTOSOMAL RECESSIVE 4, WITH ENLARGED VESTIBULAR AQUEDUCT, DIGENIC. Identifiers: Orphanet 90636, MedGen C3538946, MONDO:0010933, OMIM 600791.
Pendred syndrome (PDS). Also called: GOITER-DEAFNESS SYNDROME; HYPOTHYROIDISM, CONGENITAL, DUE TO DYSHORMONOGENESIS, 2B; DEAFNESS WITH GOITER; Pendred's syndrome; Pendred Syndrome (PDS); THYROID DYSHORMONOGENESIS 2B. Identifiers: Orphanet 705, MedGen C0271829, MONDO:0010134, OMIM 274600.

Allele frequency attached by ClinVar (database versions not stated): gnomAD 0.00029 and 0.00031; 1000 Genomes Project 30x 0.00016; 1000 Genomes Project 0.00020; TOPMed 0.00029.

Submissions (5):

Genome-Nilou Lab
Classification: Uncertain significance for Autosomal recessive nonsyndromic hearing loss 4. Last evaluated: 2021-09-05. Review status: criteria provided, single submitter. Criteria: ACMG Guidelines, 2015. Collection method: clinical testing. Allele origin: germline. Affected: no.

Genome-Nilou Lab
Classification: Uncertain significance for Pendred syndrome. Last evaluated: 2021-09-05. Review status: criteria provided, single submitter. Criteria: ACMG Guidelines, 2015. Collection method: clinical testing. Allele origin: germline. Affected: no.

Laboratory for Molecular Medicine, Mass General Brigham Personalized Medicine
Classification: Uncertain significance. Last evaluated: 2017-06-22. Review status: criteria provided, single submitter. Criteria: LMM Criteria. Collection method: clinical testing. Allele origin: germline. Observed: 2 variant alleles.
Comment: This variant has been identi fied in 3/15002 European chromosomes and in 0.1% (1/838) Latino chromosomes by t he Genome Aggregation Database (gnomAD; dbSNP rs111033440). Although this variant has been seen in the general population, i ts frequency is not high enough to rule out a pathogenic role. This variant is i n the 5' untranslated region (UTR) of the SLC26A4 gene. It is unknown and canno t be predicted whether or not this variant impacts the protein. In summary, the clinical significance of this variant is uncertain.

Illumina Laboratory Services, Illumina
Classification: Uncertain significance for Pendred syndrome. Last evaluated: 2017-04-27. Review status: criteria provided, single submitter. Criteria: ICSL Variant Classification Criteria 13 December 2019. Collection method: clinical testing. Allele origin: germline.

Illumina Laboratory Services, Illumina
Classification: Uncertain significance for Autosomal recessive nonsyndromic hearing loss 4. Last evaluated: 2017-04-27. Review status: criteria provided, single submitter. Criteria: ICSL Variant Classification Criteria 13 December 2019. Collection method: clinical testing. Allele origin: germline.